The following is an entry in ClinVar:

ClinVar aggregate classification (germline): Uncertain significance (1 of 4 stars; one submission).

Conditions:
Fibrous dysplasia of jaw (CRBM). Also called: Cherubism. Identifiers: Orphanet 184, MedGen C0008029, MONDO:0007315, OMIM 118400.

gnomAD v4.1: 8 of 1,570,624 alleles (0.00051%); highest among the groups gnomAD compares: Non-Finnish European, 0.00069%; no homozygotes.

Submission:

Labcorp Genetics (formerly Invitae), Labcorp
Classification: Uncertain significance for Fibrous dysplasia of jaw. Last evaluated: 2025-11-06. Review status: criteria provided, single submitter. Criteria: Invitae Variant Classification Sherloc (09022015). Collection method: clinical testing. Allele origin: germline.
Comment: This sequence change falls in intron 7 of the SH3BP2 gene. It does not directly change the encoded amino acid sequence of the SH3BP2 protein. It affects a nucleotide within the consensus splice site. This variant is not present in population databases (gnomAD no frequency). This variant has not been reported in the literature in individuals affected with SH3BP2-related conditions. Variants that disrupt the consensus splice site are a relatively common cause of aberrant splicing (PMID: 17576681, 9536098). Algorithms developed to predict the effect of sequence changes on RNA splicing suggest that this variant is not likely to affect RNA splicing. In summary, the available evidence is currently insufficient to determine the role of this variant in disease. Therefore, it has been classified as a Variant of Uncertain Significance.

Literature cited by the submitters: PubMed 17576681; PubMed 9536098.

NM_001122681.2(SH3BP2):c.586+4G>C

Gene: SH3BP2 (SH3 domain binding protein 2; plus strand). Cytogenetic location: 4p16.3.
Variant type: single nucleotide variant.
Coding change: c.586+4G>C on transcript NM_001122681.2 (MANE Select); 4 bases into the intron after coding-DNA position 586, G replaced by C.
Molecular consequence: intron variant.
Genome position (GRCh38, 1-based): chr4:2,827,678, G>C. VCF-style: chr4-2827678-G-C. GRCh37 (hg19) VCF-style: chr4-2829405-G-C.
Other names: c.670+4G>C (NM_001145855.2); c.757+4G>C (NM_001145856.2); c.586+4G>C (NM_003023.4).
Identifiers: ClinVar variation 4745188 (VCV004745188.1).